The following is an entry in ClinVar:

NM_138927.4(SON):c.1035C>G (p.Asp345Glu)

Gene: SON (SON DNA and RNA binding protein; plus strand). Cytogenetic location: 21q22.11.
Variant type: single nucleotide variant.
Coding change: c.1035C>G on transcript NM_138927.4 (MANE Select); coding-DNA position 1035, C replaced by G.
Protein change: p.Asp345Glu; replaces aspartic acid 345 with glutamic acid.
Molecular consequence: missense variant. On other transcripts: non-coding transcript variant (1), intron variant (1).
Genome position (GRCh38, 1-based): chr21:33,550,266, C>G. VCF-style: chr21-33550266-C-G. GRCh37 (hg19) VCF-style: chr21-34922572-C-G.
Other names: c.1035C>G, p.Asp345Glu (NM_001291411.2, NM_032195.3); c.244+3887C>G (NM_001291412.3); c.1035C>G (NM_138927.2); short protein forms D345E.
Identifiers: ClinVar variation 1642259 (VCV001642259.9), dbSNP rs774557128, ClinGen allele CA10008796.

ClinVar aggregate classification (germline): Likely benign. Review status: criteria provided, single submitter (1 of 4 stars). 2 submissions from 2 submitters: Likely benign (1). 1 of the submissions does not count toward it. Last evaluated 2025-10-16.

Conditions:
SON-related disorder. Also called: SON-related condition.

gnomAD v4.1: 94 of 1,613,816 alleles (0.0058%); highest among the groups gnomAD compares: South Asian, 0.092%; 3 homozygotes.

Submissions (2):

Labcorp Genetics (formerly Invitae), Labcorp
Classification: Likely benign. Last evaluated: 2025-10-16. Review status: criteria provided, single submitter. Criteria: Invitae Variant Classification Sherloc (09022015). Collection method: clinical testing. Allele origin: germline.

PreventionGenetics, part of Exact Sciences
Classification: Likely benign for SON-related condition. Last evaluated: 2024-05-20. Review status: no assertion criteria provided. Collection method: clinical testing. Allele origin: germline. Not counted in ClinVar's aggregate classification.
Comment: This variant is classified as likely benign based on ACMG/AMP sequence variant interpretation guidelines (Richards et al. 2015 PMID: 25741868, with internal and published modifications).